The following is an entry in ClinVar:

ClinVar aggregate classification (germline): Uncertain significance (1 of 4 stars; one submission).

Conditions:
Emery-Dreifuss muscular dystrophy 5, autosomal dominant (EDMD5). Also called: EMERY-DREIFUSS MUSCULAR DYSTROPHY 5. Identifiers: Orphanet 261, MedGen C2751805, MONDO:0013072, OMIM 612999.

Allele frequency attached by ClinVar (database versions not stated): gnomAD exomes 0.00001 and 0.00002; ExAC 0.00002; gnomAD 0.00004 and 0.00005; TOPMed 0.00004; 1000 Genomes Project 30x 0.00016.
gnomAD v4.1: 19 of 1,614,168 alleles (0.0012%); highest among the groups gnomAD compares: African/African-American, 0.0053%; no homozygotes.

Submission:

Labcorp Genetics (formerly Invitae), Labcorp
Classification: Uncertain significance for Emery-Dreifuss muscular dystrophy 5, autosomal dominant. Last evaluated: 2023-10-28. Review status: criteria provided, single submitter. Criteria: Invitae Variant Classification Sherloc (09022015). Collection method: clinical testing. Allele origin: germline.
Comment: This sequence change replaces glycine, which is neutral and non-polar, with serine, which is neutral and polar, at codon 2606 of the SYNE2 protein (p.Gly2606Ser). This variant is present in population databases (rs201069405, gnomAD 0.02%). This variant has not been reported in the literature in individuals affected with SYNE2-related conditions. ClinVar contains an entry for this variant (Variation ID: 1004414). Algorithms developed to predict the effect of missense changes on protein structure and function output the following: SIFT: "Not Available"; PolyPhen-2: "Benign"; Align-GVGD: "Not Available". The serine amino acid residue is found in multiple mammalian species, which suggests that this missense change does not adversely affect protein function. In summary, the available evidence is currently insufficient to determine the role of this variant in disease. Therefore, it has been classified as a Variant of Uncertain Significance.

NM_182914.3(SYNE2):c.7816G>A (p.Gly2606Ser)

Gene: SYNE2 (spectrin repeat containing nuclear envelope protein 2; plus strand). Cytogenetic location: 14q23.2.
Variant type: single nucleotide variant.
Coding change: c.7816G>A on transcript NM_182914.3 (MANE Select); coding-DNA position 7816, G replaced by A.
Protein change: p.Gly2606Ser; replaces glycine 2606 with serine.
Molecular consequence: missense variant.
Genome position (GRCh38, 1-based): chr14:64,051,729, G>A. VCF-style: chr14-64051729-G-A. GRCh37 (hg19) VCF-style: chr14-64518447-G-A.
Other names: c.7816G>A, p.Gly2606Ser (NM_015180.6); short protein forms G2606S.
Identifiers: ClinVar variation 1004414 (VCV001004414.9), dbSNP rs201069405, ClinGen allele CA7221021.
Genomic context (GRCh38, chr14:64,051,729, plus strand): 5'-AACCACGTGACTGACATGGATAAGAAATTGTTGGAAAGCCAGATTAAGCAACTTGAACAT[G>A]GTTGGGAACAAGTGGAACAGCAGATTCAAAAGAAGTATTCTCAGCAGGTAGTGGAATATG-3'
Protein context (NP_878918.2, residues 2596-2616): LESQIKQLEH[Gly2606Ser]WEQVEQQIQK